The following is an entry in ClinVar:

NM_001099274.3(TINF2):c.1285C>A (p.Leu429Ile)

Gene: TINF2 (TERF1 interacting nuclear factor 2; minus strand). Cytogenetic location: 14q12.
Variant type: single nucleotide variant.
Coding change: c.1285C>A on transcript NM_001099274.3 (MANE Select); coding-DNA position 1285, C replaced by A.
Protein change: p.Leu429Ile; replaces leucine 429 with isoleucine.
Molecular consequence: missense variant. On other transcripts: 3 prime UTR variant (1).
Genome position (GRCh38, 1-based): chr14:24,239,868, G>T on the plus strand (C>A on the coding strand, the complement: TINF2 is on the minus strand). VCF-style: chr14-24239868-G-T. GRCh37 (hg19) VCF-style: chr14-24709074-G-T.
Other names: c.1180C>A, p.Leu394Ile (NM_001363668.2); c.*547C>A (NM_012461.3); short protein forms L394I, L429I.
Identifiers: ClinVar variation 1516884 (VCV001516884.9), dbSNP rs780647966, ClinGen allele CA257880759.

ClinVar aggregate classification (germline): Uncertain significance. Review status: criteria provided, multiple submitters, no conflicts (2 of 4 stars). 2 submissions from 2 submitters: Uncertain significance (2). Last evaluated 2023-01-15.

Conditions:
Dyskeratosis congenita. Identifiers: Orphanet 1775, MedGen C0265965, MONDO:0015780.
Revesz syndrome. Also called: EXUDATIVE RETINOPATHY WITH BONE MARROW FAILURE; DYSKERATOSIS CONGENITA, AUTOSOMAL DOMINANT 5. Identifiers: Orphanet 3088, MedGen C1327916, MONDO:0009990, OMIM 268130.
Dyskeratosis congenita, autosomal dominant 1 (DKCA1). Also called: Dyskeratosis congenita Scoggins type. Identifiers: Orphanet 1775, MedGen C4551974, MONDO:0007485, OMIM 127550. Inheritance: Variable.
Dyskeratosis congenita, autosomal dominant 3. Identifiers: MedGen C3151445, MONDO:0013522, OMIM 613990.

gnomAD v4.1: 8 of 1,614,180 alleles (0.0005%); highest among the groups gnomAD compares: Non-Finnish European, 0.00051%; no homozygotes.

Submissions (2):

Labcorp Genetics (formerly Invitae), Labcorp
Classification: Uncertain significance for Dyskeratosis congenita. Last evaluated: 2023-01-15. Review status: criteria provided, single submitter. Criteria: Invitae Variant Classification Sherloc (09022015). Collection method: clinical testing. Allele origin: germline.
Comment: Algorithms developed to predict the effect of missense changes on protein structure and function are either unavailable or do not agree on the potential impact of this missense change (SIFT: "Tolerated"; PolyPhen-2: "Possibly Damaging"; Align-GVGD: "Class C0"). In summary, the available evidence is currently insufficient to determine the role of this variant in disease. Therefore, it has been classified as a Variant of Uncertain Significance. ClinVar contains an entry for this variant (Variation ID: 1516884). This sequence change replaces leucine, which is neutral and non-polar, with isoleucine, which is neutral and non-polar, at codon 429 of the TINF2 protein (p.Leu429Ile). This variant is not present in population databases (gnomAD no frequency). This variant has not been reported in the literature in individuals affected with TINF2-related conditions.

Fulgent Genetics
Classification: Uncertain significance for Dyskeratosis congenita, autosomal dominant 1; Revesz syndrome; Dyskeratosis congenita, autosomal dominant 3. Last evaluated: 2022-01-18. Review status: criteria provided, single submitter. Criteria: ACMG Guidelines, 2015. Collection method: clinical testing. Allele origin: unknown.